The following is an entry in ClinVar:

NM_006269.2(RP1):c.6164G>C (p.Ser2055Thr)

Gene: RP1 (RP1 axonemal microtubule associated; plus strand). Cytogenetic location: 8q12.1.
Variant type: single nucleotide variant.
Coding change: c.6164G>C on transcript NM_006269.2 (MANE Select); coding-DNA position 6164, G replaced by C.
Protein change: p.Ser2055Thr; replaces serine 2055 with threonine.
Molecular consequence: missense variant. On other transcripts: intron variant (1).
Genome position (GRCh38, 1-based): chr8:54,630,046, G>C. VCF-style: chr8-54630046-G-C. GRCh37 (hg19) VCF-style: chr8-55542606-G-C.
Other names: c.787+7758G>C (NM_001375654.1); short protein forms S2055T.
Identifiers: ClinVar variation 2769497 (VCV002769497.3), dbSNP rs2536593250, ClinGen allele CA370990871.

ClinVar aggregate classification (germline): Uncertain significance (1 of 4 stars; one submission).

Submission:

Labcorp Genetics (formerly Invitae), Labcorp
Classification: Uncertain significance. Last evaluated: 2023-10-17. Review status: criteria provided, single submitter. Criteria: Invitae Variant Classification Sherloc (09022015). Collection method: clinical testing. Allele origin: germline.
Comment: This sequence change replaces serine, which is neutral and polar, with threonine, which is neutral and polar, at codon 2055 of the RP1 protein (p.Ser2055Thr). This variant is not present in population databases (gnomAD no frequency). This variant has not been reported in the literature in individuals affected with RP1-related conditions. Algorithms developed to predict the effect of missense changes on protein structure and function output the following: SIFT: "Not Available"; PolyPhen-2: "Benign"; Align-GVGD: "Not Available". The threonine amino acid residue is found in multiple mammalian species, which suggests that this missense change does not adversely affect protein function. In summary, the available evidence is currently insufficient to determine the role of this variant in disease. Therefore, it has been classified as a Variant of Uncertain Significance.